The following is an entry in ClinVar:

NM_003060.4(SLC22A5):c.215G>A (p.Arg72Gln)

Gene: SLC22A5 (solute carrier family 22 member 5; plus strand). Cytogenetic location: 5q31.1.
Variant type: single nucleotide variant.
Coding change: c.215G>A on transcript NM_003060.4 (MANE Select); coding-DNA position 215, G replaced by A.
Protein change: p.Arg72Gln; replaces arginine 72 with glutamine.
Molecular consequence: missense variant.
Genome position (GRCh38, 1-based): chr5:132,370,187, G>A. VCF-style: chr5-132370187-G-A. GRCh37 (hg19) VCF-style: chr5-131705879-G-A.
Other names: c.215G>A, p.Arg72Gln (NM_001308122.2); short protein forms R72Q.
Identifiers: ClinVar variation 2065758 (VCV002065758.1), dbSNP rs1177265994, ClinGen allele CA360802603.

ClinVar aggregate classification (germline): Uncertain significance (1 of 4 stars; one submission).

Conditions:
Renal carnitine transport defect (CDSP). Also called: Carnitine Deficiency, Systemic; Primary carnitine deficiency; CARNITINE DEFICIENCY, SYSTEMIC, DUE TO DEFECT IN RENAL REABSORPTION OF CARNITINE; CARNITINE TRANSPORTER, PLASMA-MEMBRANE, DEFICIENCY OF; CARNITINE UPTAKE DEFECT; Systemic primary carnitine deficiency disease. Identifiers: Orphanet 158, MedGen C0342788, MONDO:0008919, OMIM 212140.

Allele frequency attached by ClinVar (database versions not stated): gnomAD 0.00001; gnomAD exomes 0.00001; TOPMed 0.00001.
gnomAD v4.1: 14 of 1,596,954 alleles (0.00088%); highest among the groups gnomAD compares: Non-Finnish European, 0.0012%; no homozygotes.

Submission:

Labcorp Genetics (formerly Invitae), Labcorp
Classification: Uncertain significance for Renal carnitine transport defect. Last evaluated: 2022-05-14. Review status: criteria provided, single submitter. Criteria: Invitae Variant Classification Sherloc (09022015). Collection method: clinical testing. Allele origin: germline.
Comment: This sequence change replaces arginine, which is basic and polar, with glutamine, which is neutral and polar, at codon 72 of the SLC22A5 protein (p.Arg72Gln). This variant is not present in population databases (gnomAD no frequency). This variant has not been reported in the literature in individuals affected with SLC22A5-related conditions. Advanced modeling of protein sequence and biophysical properties (such as structural, functional, and spatial information, amino acid conservation, physicochemical variation, residue mobility, and thermodynamic stability) performed at Invitae indicates that this missense variant is not expected to disrupt SLC22A5 protein function. Algorithms developed to predict the effect of sequence changes on RNA splicing suggest that this variant may create or strengthen a splice site. In summary, the available evidence is currently insufficient to determine the role of this variant in disease. Therefore, it has been classified as a Variant of Uncertain Significance.